The following is an entry in ClinVar:

ClinVar aggregate classification (germline): Uncertain significance. Review status: criteria provided, multiple submitters, no conflicts (2 of 4 stars). 2 submissions from 2 submitters: Uncertain significance (2). Last evaluated 2025-04-17.

Conditions:
Inborn genetic diseases. Identifiers: MedGen C0950123, MeSH D030342.
Mosaic variegated aneuploidy syndrome 2 (MVA2). Identifiers: Orphanet 1052, MedGen C3279843, MONDO:0013582, OMIM 614114.

Submissions (2):

Labcorp Genetics (formerly Invitae), Labcorp
Classification: Uncertain significance for Mosaic variegated aneuploidy syndrome 2. Last evaluated: 2025-04-17. Review status: criteria provided, single submitter. Criteria: Invitae Variant Classification Sherloc (09022015). Collection method: clinical testing. Allele origin: germline.
Comment: This sequence change replaces serine, which is neutral and polar, with glycine, which is neutral and non-polar, at codon 450 of the CEP57 protein (p.Ser450Gly). This variant is not present in population databases (gnomAD no frequency). This variant has not been reported in the literature in individuals affected with CEP57-related conditions. Invitae Evidence Modeling of protein sequence and biophysical properties (such as structural, functional, and spatial information, amino acid conservation, physicochemical variation, residue mobility, and thermodynamic stability) indicates that this missense variant is not expected to disrupt CEP57 protein function with a negative predictive value of 80%. In summary, the available evidence is currently insufficient to determine the role of this variant in disease. Therefore, it has been classified as a Variant of Uncertain Significance.

Ambry Genetics
Classification: Uncertain significance for Inborn genetic diseases. Last evaluated: 2025-02-17. Review status: criteria provided, single submitter. Criteria: Ambry Variant Classification Scheme 2023. Collection method: clinical testing. Allele origin: germline.
Comment: The p.S450G variant (also known as c.1348A>G), located in coding exon 11 of the CEP57 gene, results from an A to G substitution at nucleotide position 1348. The serine at codon 450 is replaced by glycine, an amino acid with similar properties. This amino acid position is conserved. In addition, this alteration is predicted to be tolerated by in silico analysis. Based on the available evidence, the clinical significance of this variant remains unclear.

NM_014679.5(CEP57):c.1348A>G (p.Ser450Gly)

Gene: CEP57 (centrosomal protein 57; plus strand). Cytogenetic location: 11q21.
Variant type: single nucleotide variant.
Coding change: c.1348A>G on transcript NM_014679.5 (MANE Select); coding-DNA position 1348, A replaced by G.
Protein change: p.Ser450Gly; replaces serine 450 with glycine.
Molecular consequence: missense variant.
Genome position (GRCh38, 1-based): chr11:95,831,101, A>G. VCF-style: chr11-95831101-A-G. GRCh37 (hg19) VCF-style: chr11-95564265-A-G.
Other names: c.1321A>G, p.Ser441Gly (NM_001243776.2); c.1270A>G, p.Ser424Gly (NM_001243777.2); c.1267A>G, p.Ser423Gly (NM_001363604.2); short protein forms S424G, S441G, S450G, S423G.
Identifiers: ClinVar variation 3832001 (VCV003832001.2).